The following is an entry in ClinVar:

ClinVar aggregate classification (germline): Pathogenic/Likely pathogenic. Review status: criteria provided, multiple submitters, no conflicts (2 of 4 stars). 6 submissions from 6 submitters: Pathogenic (2); Likely pathogenic (3). 1 of the submissions does not count toward it. Last evaluated 2026-01-25.

Conditions:
RMRP-related disorder. Also called: RMRP-related condition.
Anauxetic dysplasia. Identifiers: Orphanet 93347, MedGen C1846796, MONDO:0011773.
Metaphyseal chondrodysplasia, McKusick type (CHH). Also called: Cartilage-hair hypoplasia; Cartilage-Hair Hypoplasia (CHH). Identifiers: Orphanet 175, MedGen C0220748, MONDO:0009595, OMIM 250250.

Allele frequency attached by ClinVar (database versions not stated): ExAC below 0.00001; TOPMed 0.00001; gnomAD exomes 0.00002.

Submissions (6):

Labcorp Genetics (formerly Invitae), Labcorp
Classification: Pathogenic for Anauxetic dysplasia. Last evaluated: 2026-01-25. Review status: criteria provided, single submitter. Criteria: Invitae Variant Classification Sherloc (09022015). Collection method: clinical testing. Allele origin: germline.
Comment: This variant occurs in the RMRP gene, which encodes an RNA molecule that does not result in a protein product. This variant is present in population databases (rs781730798, gnomAD 0.01%). While this particular variant has not been reported in the literature, it is located in the promoter region between the TATA box and the transcription initiation site, and other insertions and duplications immediately upstream of the coding sequence have been reported in individuals affected with cartilage-hair hypoplasia-anauxetic dysplasia (CHH-AD) spectrum disorders (PMID: 16244706, 11207361, 12107819). ClinVar contains an entry for this variant (Variation ID: 551654). While functional studies for this variant have not been reported, experimental analyses using patient derived cells, as well as in vitro transfection studies, have shown that promoter insertions result in silencing of RMRP transcription and reduced expression of the gene product (PMID: 11207361, 16254002). For these reasons, this variant has been classified as Pathogenic.

Natera, Inc.
Classification: Likely pathogenic for Cartilage-hair hypoplasia. Last evaluated: 2026-01-08. Review status: criteria provided, single submitter. Criteria: Natera Variant Classification Schema (03/2026). Collection method: clinical testing. Allele origin: germline.
Comment: The n.-24_-12dupACTACTCTGTGAA variant in RMRP is a duplication affecting the RMRP promoter region between the TATA box and the transcription initiation site. Other duplications and insertions just upstream of the transcription initiation site have been reported in individuals affected with cartilage-hair hypoplasia (PMID: 11207361, 17937437). This variant is rare in the general population with a frequency below the threshold expected for the associated phenotype(s). Given the available evidence, this variant is classified as Likely Pathogenic.

PreventionGenetics, part of Exact Sciences
Classification: Pathogenic for RMRP-related condition. Last evaluated: 2023-04-21. Review status: criteria provided, single submitter. Criteria: ACMG Guidelines, 2015. Collection method: clinical testing. Allele origin: germline.
Comment: The RMRP n.-24_-12dup13 variant is predicted to result in an in-frame duplication (Non-Coding). This variant was reported in an individual with cartilage-hair hypoplasia (reported as g.-26_-14dup in McCann et al. 2013. PubMed ID: 24217815). Other insertions and duplications immediately upstream of the RMRP coding sequence have been reported in individuals with cartilage-hair hypoplasia (Kavadas et al. 2008. PubMed ID: 18804272; Thiel et al. 2011. PubMed ID: 21396580; Ridanpää et al. 2001. PubMed ID: 11207361; Bonafé et al. 2005. PubMed ID: 16244706). This variant has interpretations of pathogenic in ClinVar and has not been reported in a large population database, indicating this variant is rare. This variant is interpreted as pathogenic.

Women's Health and Genetics/Laboratory Corporation of America, LabCorp
Classification: Likely pathogenic for Metaphyseal chondrodysplasia, McKusick type. Last evaluated: 2021-09-22. Review status: criteria provided, single submitter. Criteria: LabCorp Variant Classification Summary - May 2015. Collection method: clinical testing. Allele origin: germline.
Comment: Variant summary: RMRP n.-24_-12dup13 involves the duplication of 13 nucleotides in the promoter region of RMRP, which is located between the TATA box (-33 to -25) and the transcription initiation site. The variant allele was found at a frequency of 2.1e-05 in 239252 control chromosomes (gnomAD v2.1 and v3.1 datasets). The variant, n.-24_-12dup13, has been reported in the literature in a compound heterozygous patient affected with Omenn syndrome (Kavadas_2008). To our knowledge, no experimental evidence demonstrating an impact on RNA function has been reported. However, many other insertions or duplications in the promoter region of RMRP have been reported in affected individuals in the literature (e.g. PMIDs: 21956908, 21396580) and have been demonstrated through functional studies to lead to reduced RMRP transcription (e.g. PMIDs: 11207361, 16254002, 17937437). Three other clinical diagnostic laboratories have submitted clinical-significance assessments for this variant to ClinVar after 2014 without evidence for independent evaluation. All laboratories classified the variant as likely pathogenic. Based on the evidence outlined above, the variant was classified as likely pathogenic.

Blueprint Genetics
Classification: Likely pathogenic for RMRP-related disorders. Last evaluated: 2020-12-22. Review status: criteria provided, single submitter. Criteria: ACMG Guidelines, 2015. Collection method: clinical testing. Allele origin: germline. Affected: yes. Observed: 4 variant alleles.

Counsyl
Classification: Likely pathogenic for Metaphyseal chondrodysplasia, McKusick type. Last evaluated: 2017-05-03. Review status: no assertion criteria provided. Collection method: clinical testing. Allele origin: unknown. Not counted in ClinVar's aggregate classification.

Literature cited by the submitters: PubMed 16244706 (cited by Labcorp Genetics (formerly Invitae), Labcorp); PubMed 11207361 (cited by 4 submitters); PubMed 12107819 (cited by Labcorp Genetics (formerly Invitae), Labcorp); PubMed 16254002 (cited by Labcorp Genetics (formerly Invitae), Labcorp and Counsyl); PubMed 17937437 (cited by Natera, Inc. and Counsyl); PubMed 18804272 (cited by Women's Health and Genetics/Laboratory Corporation of America, LabCorp and Counsyl); PubMed 24217815 (cited by Women's Health and Genetics/Laboratory Corporation of America, LabCorp); PubMed 14608646 (cited by Counsyl).

NR_003051.3(RMRP):n.-24_-12dupACTACTCTGTGAA

Gene: RMRP (RNA component of mitochondrial RNA processing endoribonuclease; minus strand). Cytogenetic location: 9p13.3.
Variant type: Duplication.
Genome position: GRCh38 VCF-style: chr9-35658029-C-CTTCACAGAGTAGT. GRCh37 (hg19) VCF-style: chr9-35658026-C-CTTCACAGAGTAGT.
Identifiers: ClinVar variation 551654 (VCV000551654.18), dbSNP rs781730798, ClinGen allele CA5045887.